The following is an entry in ClinVar:

NM_001353108.3(CEP63):c.240del (p.Gln80fs)

Gene: CEP63 (centrosomal protein 63; plus strand). Cytogenetic location: 3q22.2.
Variant type: Deletion.
Coding change: c.240del on transcript NM_001353108.3 (MANE Select); coding-DNA position 240, one base deleted (G; older notation c.240delG).
Protein change: p.Gln80fs; shifts the reading frame from glutamine 80.
Molecular consequence: frameshift variant. On other transcripts: 5 prime UTR variant (1), non-coding transcript variant (4).
Genome position (GRCh38, 1-based): chr3:134,531,862, G deleted. VCF-style (leftmost placement, unchanged base first): chr3-134531861-AG-A. GRCh37 (hg19) VCF-style: chr3-134250703-AG-A.
Other names: c.240del, p.Gln80fs (NM_001042383.2, NM_001042384.2, NM_001042400.3 and 13 more transcripts); c.267del, p.Gln89fs (NM_001353118.1); c.156del, p.Gln52fs (NM_001353125.2); c.-142del (NM_001353126.2); short protein forms Q89fs, Q52fs, Q80fs.
Identifiers: ClinVar variation 2019176 (VCV002019176.4), dbSNP rs2546774426, ClinGen allele CA2580068794.

ClinVar aggregate classification (germline): Pathogenic (1 of 4 stars; one submission).

Submission:

Labcorp Genetics (formerly Invitae), Labcorp
Classification: Pathogenic. Last evaluated: 2022-07-25. Review status: criteria provided, single submitter. Criteria: Invitae Variant Classification Sherloc (09022015). Collection method: clinical testing. Allele origin: germline.
Comment: This variant is not present in population databases (gnomAD no frequency). This sequence change creates a premature translational stop signal (p.Gln80Hisfs*3) in the CEP63 gene. It is expected to result in an absent or disrupted protein product. Loss-of-function variants in CEP63 are known to be pathogenic (PMID: 21983783, 23936128, 26158450). This variant has not been reported in the literature in individuals affected with CEP63-related conditions. For these reasons, this variant has been classified as Pathogenic.

Literature cited by the submitters: PubMed 21983783; PubMed 23936128; PubMed 26158450.